The following is an entry in ClinVar:

NM_015041.3(CLUAP1):c.43G>A (p.Ala15Thr)

Gene: CLUAP1 (clusterin associated protein 1; plus strand). Cytogenetic location: 16p13.3.
Variant type: single nucleotide variant.
Coding change: c.43G>A on transcript NM_015041.3 (MANE Select); coding-DNA position 43, G replaced by A.
Protein change: p.Ala15Thr; replaces alanine 15 with threonine.
Molecular consequence: missense variant.
Genome position (GRCh38, 1-based): chr16:3,504,740, G>A. VCF-style: chr16-3504740-G-A. GRCh37 (hg19) VCF-style: chr16-3554740-G-A.
Other names: c.43G>A, p.Ala15Thr (NM_001330454.2); short protein forms A15T.
Identifiers: ClinVar variation 2091316 (VCV002091316.4), dbSNP rs2543922316, ClinGen allele CA394510664.

ClinVar aggregate classification (germline): Uncertain significance (1 of 4 stars; one submission).

Allele frequency attached by ClinVar (database versions not stated): gnomAD exomes below 0.00001.
gnomAD v4.1: 1 of 1,608,618 alleles (0.000062%); highest among the groups gnomAD compares: South Asian, 0.0011%; no homozygotes.

Submission:

Labcorp Genetics (formerly Invitae), Labcorp
Classification: Uncertain significance. Last evaluated: 2022-02-01. Review status: criteria provided, single submitter. Criteria: Invitae Variant Classification Sherloc (09022015). Collection method: clinical testing. Allele origin: germline.
Comment: In summary, the available evidence is currently insufficient to determine the role of this variant in disease. Therefore, it has been classified as a Variant of Uncertain Significance. Algorithms developed to predict the effect of missense changes on protein structure and function (SIFT, PolyPhen-2, Align-GVGD) all suggest that this variant is likely to be tolerated. This variant has not been reported in the literature in individuals affected with CLUAP1-related conditions. This variant is not present in population databases (gnomAD no frequency). This sequence change replaces alanine, which is neutral and non-polar, with threonine, which is neutral and polar, at codon 15 of the CLUAP1 protein (p.Ala15Thr).